The following is an entry in ClinVar:

NM_001365951.3(KIF1B):c.3334A>G (p.Lys1112Glu)

Gene: KIF1B (kinesin family member 1B; plus strand). Cytogenetic location: 1p36.22.
Variant type: single nucleotide variant.
Coding change: c.3334A>G on transcript NM_001365951.3 (MANE Select); coding-DNA position 3334, A replaced by G.
Protein change: p.Lys1112Glu; replaces lysine 1112 with glutamic acid.
Molecular consequence: missense variant.
Genome position (GRCh38, 1-based): chr1:10,337,445, A>G. VCF-style: chr1-10337445-A-G. GRCh37 (hg19) VCF-style: chr1-10397503-A-G.
Other names: c.3334A>G, p.Lys1112Glu (NM_001365952.1); c.3196A>G, p.Lys1066Glu (NM_015074.3); short protein forms K1066E, K1112E.
Identifiers: ClinVar variation 1728713 (VCV001728713.12), dbSNP rs35870526, ClinGen allele CA581755.

ClinVar aggregate classification (germline): Uncertain significance. Review status: criteria provided, multiple submitters, no conflicts (2 of 4 stars). 3 submissions from 3 submitters: Uncertain significance (3). Last evaluated 2025-11-30.

Conditions:
Charcot-Marie-Tooth disease type 2A1. Also called: CHARCOT-MARIE-TOOTH DISEASE, AXONAL, TYPE 2A1; CHARCOT-MARIE-TOOTH DISEASE, AXONAL, AUTOSOMAL DOMINANT, TYPE 2A1; CHARCOT-MARIE-TOOTH DISEASE, NEURONAL, TYPE 2A1; CHARCOT-MARIE-TOOTH NEUROPATHY, TYPE 2A1; HEREDITARY MOTOR AND SENSORY NEUROPATHY IIA1. Identifiers: Orphanet 99946, MedGen C1861678, MONDO:0007308, OMIM 118210.
Charcot-Marie-Tooth disease type 2. Also called: Charcot-Marie-Tooth type 2. Identifiers: Orphanet 64746, MedGen C0270914, MONDO:0018993.

Allele frequency attached by ClinVar (database versions not stated): gnomAD exomes 0.00001; gnomAD 0.00003; TOPMed 0.00004; ExAC 0.00001.
gnomAD v4.1: 15 of 1,614,062 alleles (0.00093%); highest among the groups gnomAD compares: Admixed American, 0.023%; no homozygotes.

Submissions (3):

Labcorp Genetics (formerly Invitae), Labcorp
Classification: Uncertain significance for Charcot-Marie-Tooth disease type 2. Last evaluated: 2025-11-30. Review status: criteria provided, single submitter. Criteria: Invitae Variant Classification Sherloc (09022015). Collection method: clinical testing. Allele origin: germline.
Comment: This sequence change replaces lysine, which is basic and polar, with glutamic acid, which is acidic and polar, at codon 1066 of the KIF1B protein (p.Lys1066Glu). This variant is present in population databases (rs35870526, gnomAD 0.009%). This variant has not been reported in the literature in individuals affected with KIF1B-related conditions. ClinVar contains an entry for this variant (Variation ID: 1728713). Invitae Evidence Modeling of protein sequence and biophysical properties (such as structural, functional, and spatial information, amino acid conservation, physicochemical variation, residue mobility, and thermodynamic stability) indicates that this missense variant is not expected to disrupt KIF1B protein function with a negative predictive value of 80%. In summary, the available evidence is currently insufficient to determine the role of this variant in disease. Therefore, it has been classified as a Variant of Uncertain Significance.

Ambry Genetics
Classification: Uncertain significance. Last evaluated: 2025-08-04. Review status: criteria provided, single submitter. Criteria: Ambry Variant Classification Scheme 2023. Collection method: clinical testing. Allele origin: germline.

Revvity Omics, Revvity
Classification: Uncertain significance for Charcot-Marie-Tooth disease type 2A1. Last evaluated: 2020-01-06. Review status: criteria provided, single submitter. Criteria: ACMG Guidelines, 2015. Collection method: clinical testing. Allele origin: germline.